The following is an entry in ClinVar:

NM_033109.5(PNPT1):c.1758A>C (p.Leu586Phe)

Gene: PNPT1 (polyribonucleotide nucleotidyltransferase 1; minus strand). Cytogenetic location: 2p16.1.
Variant type: single nucleotide variant.
Coding change: c.1758A>C on transcript NM_033109.5 (MANE Select); coding-DNA position 1758, A replaced by C.
Protein change: p.Leu586Phe; replaces leucine 586 with phenylalanine.
Molecular consequence: missense variant.
Genome position (GRCh38, 1-based): chr2:55,645,413, T>G on the plus strand (A>C on the coding strand, the complement: PNPT1 is on the minus strand). VCF-style: chr2-55645413-T-G. GRCh37 (hg19) VCF-style: chr2-55872548-T-G.
Other names: c.1758A>C (NM_033109.3); short protein forms L586F.
Identifiers: ClinVar variation 1500231 (VCV001500231.6), dbSNP rs767387569, ClinGen allele CA1667949.
Genomic context (GRCh38, chr2:55,645,413, plus strand): 5'-AACAGGTCCATTTTCTTTTCTAGATGCTCGAGGTTTTGAAATAGTTTTGTTCATGATCTG[T>G]AATATCTCCTTTTTTGCCACTAGAAGAGAAAAACACAAAAATTATAACTACATAAAACAA-3'
Protein context (NP_149100.2, residues 576-596): QQASVAKKEI[Leu586Phe]QIMNKTISKP

ClinVar aggregate classification (germline): Uncertain significance. Review status: criteria provided, multiple submitters, no conflicts (2 of 4 stars). 3 submissions from 3 submitters: Uncertain significance (3). Last evaluated 2025-03-21.

Conditions:
Inborn genetic diseases. Identifiers: MedGen C0950123, MeSH D030342.

Allele frequency attached by ClinVar (database versions not stated): gnomAD 0.00001; gnomAD exomes 0.00002 and below 0.00001; ExAC 0.00001; TOPMed 0.00002.
gnomAD v4.1: 8 of 1,609,334 alleles (0.0005%); highest among the groups gnomAD compares: Admixed American, 0.0017%; no homozygotes.

Submissions (3):

Ambry Genetics
Classification: Uncertain significance for Inborn genetic diseases. Last evaluated: 2025-03-21. Review status: criteria provided, single submitter. Criteria: Ambry Variant Classification Scheme 2023. Collection method: clinical testing. Allele origin: germline.

Labcorp Genetics (formerly Invitae), Labcorp
Classification: Uncertain significance. Last evaluated: 2022-08-15. Review status: criteria provided, single submitter. Criteria: Invitae Variant Classification Sherloc (09022015). Collection method: clinical testing. Allele origin: germline.
Comment: This sequence change replaces leucine, which is neutral and non-polar, with phenylalanine, which is neutral and non-polar, at codon 586 of the PNPT1 protein (p.Leu586Phe). This variant is present in population databases (rs767387569, gnomAD 0.004%). This variant has not been reported in the literature in individuals affected with PNPT1-related conditions. ClinVar contains an entry for this variant (Variation ID: 1500231). Advanced modeling of protein sequence and biophysical properties (such as structural, functional, and spatial information, amino acid conservation, physicochemical variation, residue mobility, and thermodynamic stability) performed at Invitae indicates that this missense variant is expected to disrupt PNPT1 protein function. In summary, the available evidence is currently insufficient to determine the role of this variant in disease. Therefore, it has been classified as a Variant of Uncertain Significance.

GeneDx
Classification: Uncertain significance. Last evaluated: 2022-02-16. Review status: criteria provided, single submitter. Criteria: GeneDx Variant Classification Process June 2021. Collection method: clinical testing. Allele origin: germline. Affected: yes.
Comment: Not observed at significant frequency in large population cohorts (gnomAD); In silico analysis supports that this missense variant has a deleterious effect on protein structure/function; Has not been previously published as pathogenic or benign to our knowledge